The following is an entry in ClinVar:

NM_003748.4(ALDH4A1):c.1529C>G (p.Ser510Cys)

Gene: ALDH4A1 (aldehyde dehydrogenase 4 family member A1; minus strand). Cytogenetic location: 1p36.13.
Variant type: single nucleotide variant.
Coding change: c.1529C>G on transcript NM_003748.4 (MANE Select); coding-DNA position 1529, C replaced by G.
Protein change: p.Ser510Cys; replaces serine 510 with cysteine.
Molecular consequence: missense variant.
Genome position (GRCh38, 1-based): chr1:18,874,513, G>C on the plus strand (C>G on the coding strand, the complement: ALDH4A1 is on the minus strand). VCF-style: chr1-18874513-G-C. GRCh37 (hg19) VCF-style: chr1-19201007-G-C.
Other names: c.1529C>G (NM_003748.3); c.1349C>G, p.Ser450Cys (NM_001161504.2); c.1376C>G, p.Ser459Cys (NM_001319218.2); c.1529C>G, p.Ser510Cys (NM_170726.3); short protein forms S450C, S510C, S459C.
Identifiers: ClinVar variation 1409516 (VCV001409516.6), dbSNP rs760227262, ClinGen allele CA646862.

ClinVar aggregate classification (germline): Uncertain significance. Review status: criteria provided, multiple submitters, no conflicts (2 of 4 stars). 2 submissions from 2 submitters: Uncertain significance (2). Last evaluated 2025-10-01.

Conditions:
Hyperprolinemia type 2 (HYRPRO2). Also called: 1-PYRROLINE-5-CARBOXYLATE DEHYDROGENASE DEFICIENCY; Deficiency of pyrroline-5-carboxylate reductase; Delta-1-pyrroline-5-carboxylate dehydrogenase deficiency. Identifiers: Orphanet 79101, MedGen C2931835, MONDO:0009401, OMIM 239510.

Allele frequency attached by ClinVar (database versions not stated): gnomAD exomes 0.00002 and 0.00004; gnomAD 0.00003; TOPMed 0.00003; ExAC 0.00005.
gnomAD v4.1: 30 of 1,614,084 alleles (0.0019%); highest among the groups gnomAD compares: Middle Eastern, 0.082%; no homozygotes.

Submissions (2):

Labcorp Genetics (formerly Invitae), Labcorp
Classification: Uncertain significance for Hyperprolinemia type 2. Last evaluated: 2025-10-01. Review status: criteria provided, single submitter. Criteria: Invitae Variant Classification Sherloc (09022015). Collection method: clinical testing. Allele origin: germline.
Comment: This sequence change replaces serine, which is neutral and polar, with cysteine, which is neutral and slightly polar, at codon 510 of the ALDH4A1 protein (p.Ser510Cys). This variant is present in population databases (rs760227262, gnomAD 0.006%). This variant has not been reported in the literature in individuals affected with ALDH4A1-related conditions. ClinVar contains an entry for this variant (Variation ID: 1409516). An algorithm developed to predict the effect of missense changes on protein structure and function (PolyPhen-2) suggests that this variant is likely to be disruptive. In summary, the available evidence is currently insufficient to determine the role of this variant in disease. Therefore, it has been classified as a Variant of Uncertain Significance.

Ambry Genetics
Classification: Uncertain significance. Last evaluated: 2023-09-22. Review status: criteria provided, single submitter. Criteria: Ambry Variant Classification Scheme 2023. Collection method: clinical testing. Allele origin: germline.